The following is an entry in ClinVar:

NM_001161403.3(LIMS2):c.11+1282G>C

Gene: LIMS2 (LIM zinc finger domain containing 2; minus strand). Cytogenetic location: 2q14.3.
Variant type: single nucleotide variant.
Coding change: c.11+1282G>C on transcript NM_001161403.3 (MANE Select); 1282 bases into the intron after coding-DNA position 11, G replaced by C.
Molecular consequence: intron variant. On other transcripts: missense variant (1).
Genome position (GRCh38, 1-based): chr2:127,673,732, C>G on the plus strand (G>C on the coding strand, the complement: LIMS2 is on the minus strand). VCF-style: chr2-127673732-C-G. GRCh37 (hg19) VCF-style: chr2-128431306-C-G.
Other names: c.23G>C, p.Trp8Ser (NM_001136037.4); c.-5+7588G>C (NM_001161404.2); short protein forms W8S.
Identifiers: ClinVar variation 1410354 (VCV001410354.6), dbSNP rs1419776330, ClinGen allele CA348417925.

ClinVar aggregate classification (germline): Uncertain significance (1 of 4 stars; one submission).

Conditions:
Autosomal recessive limb-girdle muscular dystrophy type 2W (MDRCMTT). Also called: Muscular dystrophy, autosomal recessive, with cardiomyopathy and triangular tongue; Muscular dystrophy, limb-girdle, type 2W. Identifiers: MedGen C4225192, MONDO:0014788, OMIM 616827.

Allele frequency attached by ClinVar (database versions not stated): gnomAD 0.00001; gnomAD exomes 0.00001; TOPMed 0.00001.
gnomAD v4.1: 13 of 1,551,404 alleles (0.00084%); highest among the groups gnomAD compares: Admixed American, 0.0059%; no homozygotes.

Submission:

Labcorp Genetics (formerly Invitae), Labcorp
Classification: Uncertain significance for Autosomal recessive limb-girdle muscular dystrophy type 2W. Last evaluated: 2021-10-25. Review status: criteria provided, single submitter. Criteria: Invitae Variant Classification Sherloc (09022015). Collection method: clinical testing. Allele origin: germline.
Comment: In summary, the available evidence is currently insufficient to determine the role of this variant in disease. Therefore, it has been classified as a Variant of Uncertain Significance. Algorithms developed to predict the effect of missense changes on protein structure and function (SIFT, PolyPhen-2, Align-GVGD) all suggest that this variant is likely to be tolerated. This variant has not been reported in the literature in individuals affected with LIMS2-related conditions. This variant is not present in population databases (ExAC no frequency). This sequence change replaces tryptophan with serine at codon 8 of the LIMS2 protein (p.Trp8Ser). The tryptophan residue is weakly conserved and there is a large physicochemical difference between tryptophan and serine.